The following is an entry in ClinVar:

NM_170665.4(ATP2A2):c.2945C>T (p.Thr982Met)

Gene: ATP2A2 (ATPase sarcoplasmic/endoplasmic reticulum Ca2+ transporting 2; plus strand). Cytogenetic location: 12q24.11.
Variant type: single nucleotide variant.
Coding change: c.2945C>T on transcript NM_170665.4 (MANE Select); coding-DNA position 2945, C replaced by T.
Protein change: p.Thr982Met; replaces threonine 982 with methionine.
Molecular consequence: missense variant.
Genome position (GRCh38, 1-based): chr12:110,346,286, C>T. VCF-style: chr12-110346286-C-T. GRCh37 (hg19) VCF-style: chr12-110784091-C-T.
Other names: c.2945C>T, p.Thr982Met (NM_001681.4); short protein forms T982M.
Identifiers: ClinVar variation 307186 (VCV000307186.14), dbSNP rs149024535, ClinGen allele CA6784257.
Genomic context (GRCh38, chr12:110,346,286, plus strand): 5'-ACGTGACCCAGTGGCTGATGGTGCTGAAAATCTCCTTGCCCGTGATTCTCATGGATGAGA[C>T]GCTCAAGTTTGTGGCCCGCAACTACCTGGAACCTGGTAAAGAGTGTGTGCAGCCTGCCAC-3'
Protein context (NP_733765.1, residues 972-992): ISLPVILMDE[Thr982Met]LKFVARNYLE

ClinVar aggregate classification (germline): Conflicting classifications of pathogenicity. Review status: criteria provided, conflicting classifications (1 of 4 stars). 4 submissions from 4 submitters: Uncertain significance (1); Benign (1); Likely benign (2). Last evaluated 2026-09-01.

Conditions:
Keratosis follicularis (DAR). Also called: Darier disease; Darier's disease. Identifiers: Orphanet 218, MedGen C0022595, MONDO:0007417, OMIM 124200.

Allele frequency attached by ClinVar (database versions not stated): TOPMed 0.00028; 1000 Genomes Project 30x 0.00031; ESP Exome Variant Server 0.00031; 1000 Genomes Project 0.00040; gnomAD exomes 0.00093 and 0.00191; gnomAD 0.00135 and 0.00144; ExAC 0.00174.
gnomAD v4.1: 1,572 of 1,614,114 alleles (0.097%); highest among the groups gnomAD compares: Non-Finnish European, 0.042%; 15 homozygotes.

Submissions (4):

CeGaT Center for Human Genetics Tuebingen
Classification: Likely benign. Last evaluated: 2026-09-01. Review status: criteria provided, single submitter. Criteria: CeGaT Center For Human Genetics Tuebingen Variant Classification Criteria Version 2. Collection method: clinical testing. Allele origin: germline. Affected: yes. Observed: 1 variant allele.
Comment: ATP2A2: BS1

Labcorp Genetics (formerly Invitae), Labcorp
Classification: Benign. Last evaluated: 2025-09-10. Review status: criteria provided, single submitter. Criteria: Invitae Variant Classification Sherloc (09022015). Collection method: clinical testing. Allele origin: germline.

Mendelics
Classification: Uncertain significance. Last evaluated: 2022-05-04. Review status: criteria provided, single submitter. Criteria: Mendelics Assertion Criteria 2019. Collection method: clinical testing. Allele origin: germline.

Illumina Laboratory Services, Illumina
Classification: Likely benign for Keratosis follicularis. Last evaluated: 2017-04-28. Review status: criteria provided, single submitter. Criteria: ICSL Variant Classification Criteria 13 December 2019. Collection method: clinical testing. Allele origin: germline.
Comment: This variant was observed as part of a predisposition screen in an ostensibly healthy population. A literature search was performed for the gene, cDNA change, and amino acid change (where applicable). Publications were found based on this search. The evidence from the literature, in combination with allele frequency data from public databases where available, was sufficient to determine this variant is unlikely to cause disease. Therefore, this variant is classified as likely benign.

Literature cited by the submitters: PubMed 21519848 (cited by Illumina Laboratory Services, Illumina); PubMed 19216760 (cited by Illumina Laboratory Services, Illumina); PubMed 20423818 (cited by Illumina Laboratory Services, Illumina).